The following is an entry in ClinVar:

NM_005431.2(XRCC2):c.22G>A (p.Ala8Thr)

Gene: XRCC2 (X-ray repair cross complementing 2; minus strand). Cytogenetic location: 7q36.1.
Variant type: single nucleotide variant.
Coding change: c.22G>A on transcript NM_005431.2 (MANE Select); coding-DNA position 22, G replaced by A.
Protein change: p.Ala8Thr; replaces alanine 8 with threonine.
Molecular consequence: missense variant.
Genome position (GRCh38, 1-based): chr7:152,676,058, C>T on the plus strand (G>A on the coding strand, the complement: XRCC2 is on the minus strand). VCF-style: chr7-152676058-C-T. GRCh37 (hg19) VCF-style: chr7-152373143-C-T.
Other names: c.22G>A (NM_005431.1); short protein forms A8T.
Identifiers: ClinVar variation 1002769 (VCV001002769.9), dbSNP rs2098040942, ClinGen allele CA370199605.
Genomic context (GRCh38, chr7:152,676,058, plus strand): 5'-GCCTTGTTCCCATCTCCCTCACTCCCAACCCGGCGGCTCTCACCTCGGTCCCAGACTCAG[C>T]CCTATGGAAGGCACTACACATCGCCCCGAAGGCTCGGCGCAGGAGAGACTCAACTTTCCC-3'
Protein context (NP_005422.1, residues 1-18): MCSAFHR[Ala8Thr]ESGTELLARL

ClinVar aggregate classification (germline): Conflicting classifications of pathogenicity. Review status: criteria provided, conflicting classifications (1 of 4 stars). 2 submissions from 2 submitters: Uncertain significance (1); Likely benign (1). Last evaluated 2024-11-01.

Conditions:
Hereditary cancer-predisposing syndrome. Also called: Hereditary neoplastic syndrome; Neoplastic Syndromes, Hereditary; Tumor predisposition; Hereditary Cancer Syndrome. Identifiers: Orphanet 140162, MedGen C0027672, MeSH D009386, MONDO:0015356.

gnomAD v4.1: 1 of 1,613,840 alleles (0.000062%); highest among the groups gnomAD compares: Non-Finnish European, 0.000085%; no homozygotes.

Submissions (2):

Ambry Genetics
Classification: Likely benign for Hereditary cancer-predisposing syndrome. Last evaluated: 2024-11-01. Review status: criteria provided, single submitter. Criteria: Ambry Variant Classification Scheme 2023. Collection method: clinical testing. Allele origin: germline.

Labcorp Genetics (formerly Invitae), Labcorp
Classification: Uncertain significance. Last evaluated: 2020-01-09. Review status: criteria provided, single submitter. Criteria: Invitae Variant Classification Sherloc (09022015). Collection method: clinical testing. Allele origin: germline.
Comment: In summary, the available evidence is currently insufficient to determine the role of this variant in disease. Therefore, it has been classified as a Variant of Uncertain Significance. Algorithms developed to predict the effect of missense changes on protein structure and function output the following: SIFT: "Deleterious"; PolyPhen-2: "Benign"; Align-GVGD: "Class C0". The threonine amino acid residue is found in multiple mammalian species, suggesting that this missense change does not adversely affect protein function. These predictions have not been confirmed by published functional studies and their clinical significance is uncertain. This variant has not been reported in the literature in individuals with XRCC2-related disease. This variant is not present in population databases (ExAC no frequency). This sequence change replaces alanine with threonine at codon 8 of the XRCC2 protein (p.Ala8Thr). The alanine residue is moderately conserved and there is a small physicochemical difference between alanine and threonine.